The following is an entry in ClinVar:

NM_000492.4(CFTR):c.554C>T (p.Ser185Phe)

Gene: CFTR (CF transmembrane conductance regulator; plus strand). Cytogenetic location: 7q31.2.
Variant type: single nucleotide variant.
Coding change: c.554C>T on transcript NM_000492.4 (MANE Select); coding-DNA position 554, C replaced by T.
Protein change: p.Ser185Phe; replaces serine 185 with phenylalanine.
Molecular consequence: missense variant.
Genome position (GRCh38, 1-based): chr7:117,534,340, C>T. VCF-style: chr7-117534340-C-T. GRCh37 (hg19) VCF-style: chr7-117174394-C-T.
Other names: short protein forms S185F.
Identifiers: ClinVar variation 4001832 (VCV004001832.1).

ClinVar aggregate classification (germline): Uncertain significance (1 of 4 stars; one submission).

Conditions:
Cystic fibrosis (CF). Also called: MUCOVISCIDOSIS. Identifiers: Orphanet 586, MedGen C0010674, MONDO:0009061, OMIM 219700. Disease mechanism: loss of function.

Submission:

Ambry Genetics
Classification: Uncertain significance for Cystic fibrosis. Last evaluated: 2025-04-05. Review status: criteria provided, single submitter. Criteria: Ambry Variant Classification Scheme 2023. Collection method: clinical testing. Allele origin: germline.
Comment: The p.S185F variant (also known as c.554C>T), located in coding exon 5 of the CFTR gene, results from a C to T substitution at nucleotide position 554. The serine at codon 185 is replaced by phenylalanine, an amino acid with highly dissimilar properties. This amino acid position is conserved. In addition, this alteration is predicted to be deleterious by in silico analysis. Based on the available evidence, the clinical significance of this variant remains unclear.